The following is an entry in ClinVar:

ClinVar aggregate classification (germline): Uncertain significance. Review status: criteria provided, multiple submitters, no conflicts (2 of 4 stars). 3 submissions from 3 submitters: Uncertain significance (3). Last evaluated 2025-06-20.

Conditions:
Inborn genetic diseases. Identifiers: MedGen C0950123, MeSH D030342.
Mucopolysaccharidosis type 1. Also called: IDUA deficiency; MPS I. Identifiers: Orphanet 579, MedGen C0023786, MONDO:0001586.

Allele frequency attached by ClinVar (database versions not stated): gnomAD 0.00004.
gnomAD v4.1: 12 of 1,444,962 alleles (0.00083%); highest among the groups gnomAD compares: African/African-American, 0.01%; no homozygotes.

Submissions (3):

Ambry Genetics
Classification: Uncertain significance for Inborn genetic diseases. Last evaluated: 2025-06-20. Review status: criteria provided, single submitter. Criteria: Ambry Variant Classification Scheme 2023. Collection method: clinical testing. Allele origin: germline.
Comment: The p.R503C variant (also known as c.1507C>T), located in coding exon 10 of the IDUA gene, results from a C to T substitution at nucleotide position 1507. The arginine at codon 503 is replaced by cysteine, an amino acid with highly dissimilar properties. This amino acid position is conserved. In addition, the in silico prediction for this alteration is inconclusive. Based on the available evidence, the clinical significance of this variant remains unclear.

Labcorp Genetics (formerly Invitae), Labcorp
Classification: Uncertain significance for Mucopolysaccharidosis type 1. Last evaluated: 2022-06-14. Review status: criteria provided, single submitter. Criteria: Invitae Variant Classification Sherloc (09022015). Collection method: clinical testing. Allele origin: germline.
Comment: This sequence change replaces arginine, which is basic and polar, with cysteine, which is neutral and slightly polar, at codon 503 of the IDUA protein (p.Arg503Cys). This variant is present in population databases (no rsID available, gnomAD 0.008%). This variant has not been reported in the literature in individuals affected with IDUA-related conditions. Advanced modeling of protein sequence and biophysical properties (such as structural, functional, and spatial information, amino acid conservation, physicochemical variation, residue mobility, and thermodynamic stability) performed at Invitae indicates that this missense variant is expected to disrupt IDUA protein function. Algorithms developed to predict the effect of sequence changes on RNA splicing suggest that this variant may create or strengthen a splice site. In summary, the available evidence is currently insufficient to determine the role of this variant in disease. Therefore, it has been classified as a Variant of Uncertain Significance.

Revvity Omics, Revvity
Classification: Uncertain significance. Last evaluated: 2020-10-22. Review status: criteria provided, single submitter. Criteria: ACMG Guidelines, 2015. Collection method: clinical testing. Allele origin: germline.

NM_000203.5(IDUA):c.1507C>T (p.Arg503Cys)

Gene: IDUA (alpha-L-iduronidase; plus strand). Cytogenetic location: 4p16.3.
Variant type: single nucleotide variant.
Coding change: c.1507C>T on transcript NM_000203.5 (MANE Select); coding-DNA position 1507, C replaced by T.
Protein change: p.Arg503Cys; replaces arginine 503 with cysteine.
Molecular consequence: missense variant. On other transcripts: non-coding transcript variant (1).
Genome position (GRCh38, 1-based): chr4:1,003,140, C>T. VCF-style: chr4-1003140-C-T. GRCh37 (hg19) VCF-style: chr4-996928-C-T.
Other names: c.1507C>T (NM_000203.3); c.1111C>T, p.Arg371Cys (NM_001363576.1); short protein forms R371C, R503C.
Identifiers: ClinVar variation 2180700 (VCV002180700.5), dbSNP rs1047330206, ClinGen allele CA91170454.